The following is an entry in ClinVar:

NM_021072.4(HCN1):c.1801C>A (p.Leu601Ile)

Gene: HCN1 (hyperpolarization activated cyclic nucleotide gated potassium channel 1; minus strand). Cytogenetic location: 5p12.
Variant type: single nucleotide variant.
Coding change: c.1801C>A on transcript NM_021072.4 (MANE Select); coding-DNA position 1801, C replaced by A.
Protein change: p.Leu601Ile; replaces leucine 601 with isoleucine.
Molecular consequence: missense variant.
Genome position (GRCh38, 1-based): chr5:45,262,793, G>T on the plus strand (C>A on the coding strand, the complement: HCN1 is on the minus strand). VCF-style: chr5-45262793-G-T. GRCh37 (hg19) VCF-style: chr5-45262895-G-T.
Other names: short protein forms L601I.
Identifiers: ClinVar variation 3678888 (VCV003678888.2).
Genomic context (GRCh38, chr5:45,262,793, plus strand): 5'-TTTCGTTCTCCTGATTGTTGAAAACACCAGTGTTCAGATCCTTCTGGAACTTTTGCAGAA[G>T]AATTGAATTTTTCTTTCCTGTCAGCAAAAGAAAGATAGGCACTTAGAAAGCCTACCAATG-3'
Protein context (NP_066550.2, residues 591-611): LDRIGKKNSI[Leu601Ile]LQKFQKDLNT

ClinVar aggregate classification (germline): Uncertain significance (1 of 4 stars; one submission).

Conditions:
Early-infantile DEE. Also called: Ohtahara syndrome; Early infantile epileptic encephalopathy with suppression bursts; Early infantile epileptic encephalopathy. Identifiers: Orphanet 1934, MedGen C0393706, MONDO:0800491.

Submission:

Labcorp Genetics (formerly Invitae), Labcorp
Classification: Uncertain significance for Early-infantile DEE. Last evaluated: 2024-03-17. Review status: criteria provided, single submitter. Criteria: Invitae Variant Classification Sherloc (09022015). Collection method: clinical testing. Allele origin: germline.
Comment: This sequence change replaces leucine, which is neutral and non-polar, with isoleucine, which is neutral and non-polar, at codon 601 of the HCN1 protein (p.Leu601Ile). This variant is not present in population databases (gnomAD no frequency). This variant has not been reported in the literature in individuals affected with HCN1-related conditions. Advanced modeling of protein sequence and biophysical properties (such as structural, functional, and spatial information, amino acid conservation, physicochemical variation, residue mobility, and thermodynamic stability) performed at Invitae indicates that this missense variant is not expected to disrupt HCN1 protein function with a negative predictive value of 80%. In summary, the available evidence is currently insufficient to determine the role of this variant in disease. Therefore, it has been classified as a Variant of Uncertain Significance.